The following is an entry in ClinVar:

ClinVar aggregate classification (germline): Uncertain significance (1 of 4 stars; one submission).

Allele frequency attached by ClinVar (database versions not stated): gnomAD exomes below 0.00001 and 0.00001; ExAC 0.00001; TOPMed 0.00003; gnomAD 0.00005 and 0.00006; ESP Exome Variant Server 0.00015.
gnomAD v4.1: 14 of 1,613,710 alleles (0.00087%); highest among the groups gnomAD compares: Middle Eastern, 0.016%; no homozygotes.

Submission:

Labcorp Genetics (formerly Invitae), Labcorp
Classification: Uncertain significance. Last evaluated: 2025-10-09. Review status: criteria provided, single submitter. Criteria: Invitae Variant Classification Sherloc (09022015). Collection method: clinical testing. Allele origin: germline.
Comment: This sequence change replaces glycine, which is neutral and non-polar, with arginine, which is basic and polar, at codon 57 of the OCA2 protein (p.Gly57Arg). This variant is present in population databases (rs372901106, gnomAD 0.007%). This variant has not been reported in the literature in individuals affected with OCA2-related conditions. ClinVar contains an entry for this variant (Variation ID: 1499965). Invitae Evidence Modeling of protein sequence and biophysical properties (such as structural, functional, and spatial information, amino acid conservation, physicochemical variation, residue mobility, and thermodynamic stability) indicates that this missense variant is not expected to disrupt OCA2 protein function with a negative predictive value of 95%. In summary, the available evidence is currently insufficient to determine the role of this variant in disease. Therefore, it has been classified as a Variant of Uncertain Significance.

NM_000275.3(OCA2):c.169G>A (p.Gly57Arg)

Gene: OCA2 (OCA2 melanosomal transmembrane protein; minus strand). Cytogenetic location: 15q13.1.
Variant type: single nucleotide variant.
Coding change: c.169G>A on transcript NM_000275.3 (MANE Select); coding-DNA position 169, G replaced by A.
Protein change: p.Gly57Arg; replaces glycine 57 with arginine.
Molecular consequence: missense variant.
Genome position (GRCh38, 1-based): chr15:28,081,706, C>T on the plus strand (G>A on the coding strand, the complement: OCA2 is on the minus strand). VCF-style: chr15-28081706-C-T. GRCh37 (hg19) VCF-style: chr15-28326852-C-T.
Other names: c.169G>A, p.Gly57Arg (NM_001300984.2); short protein forms G57R.
Identifiers: ClinVar variation 1499965 (VCV001499965.4), dbSNP rs372901106, ClinGen allele CA7439559.